The following is an entry in ClinVar:

NM_001376.5(DYNC1H1):c.4250T>C (p.Met1417Thr)

Gene: DYNC1H1 (dynein cytoplasmic 1 heavy chain 1; plus strand). Cytogenetic location: 14q32.31.
Variant type: single nucleotide variant.
Coding change: c.4250T>C on transcript NM_001376.5 (MANE Select); coding-DNA position 4250, T replaced by C.
Protein change: p.Met1417Thr; replaces methionine 1417 with threonine.
Molecular consequence: missense variant.
Genome position (GRCh38, 1-based): chr14:102,001,209, T>C. VCF-style: chr14-102001209-T-C. GRCh37 (hg19) VCF-style: chr14-102467546-T-C.
Other names: short protein forms M1417T.
Identifiers: ClinVar variation 2581182 (VCV002581182.6), dbSNP rs2048126677, ClinGen allele CA391040259.

ClinVar aggregate classification (germline): Uncertain significance. Review status: criteria provided, multiple submitters, no conflicts (2 of 4 stars). 4 submissions from 4 submitters: Uncertain significance (4). Last evaluated 2025-04-20.

Conditions:
Charcot-Marie-Tooth disease axonal type 2O. Also called: Charcot-Marie-Tooth disease, axonal, type 20; CHARCOT-MARIE-TOOTH NEUROPATHY, AXONAL, TYPE 2O; CHARCOT-MARIE-TOOTH DISEASE, AXONAL, AUTOSOMAL DOMINANT, TYPE 2O; Charcot-Marie-Tooth Neuropathy Type 2O. Identifiers: Orphanet 284232, MedGen C3280220, MONDO:0013644, OMIM 614228.

Allele frequency attached by ClinVar (database versions not stated): gnomAD exomes 0.00001; gnomAD 0.00001.

Submissions (4):

Labcorp Genetics (formerly Invitae), Labcorp
Classification: Uncertain significance for Charcot-Marie-Tooth disease axonal type 2O. Last evaluated: 2025-04-20. Review status: criteria provided, single submitter. Criteria: Invitae Variant Classification Sherloc (09022015). Collection method: clinical testing. Allele origin: germline.
Comment: This sequence change replaces methionine, which is neutral and non-polar, with threonine, which is neutral and polar, at codon 1417 of the DYNC1H1 protein (p.Met1417Thr). This variant is not present in population databases (gnomAD no frequency). This variant has not been reported in the literature in individuals affected with DYNC1H1-related conditions. ClinVar contains an entry for this variant (Variation ID: 2581182). Invitae Evidence Modeling of protein sequence and biophysical properties (such as structural, functional, and spatial information, amino acid conservation, physicochemical variation, residue mobility, and thermodynamic stability) indicates that this missense variant is not expected to disrupt DYNC1H1 protein function with a negative predictive value of 95%. In summary, the available evidence is currently insufficient to determine the role of this variant in disease. Therefore, it has been classified as a Variant of Uncertain Significance.

ARUP Laboratories, Molecular Genetics and Genomics, ARUP Laboratories
Classification: Uncertain significance. Last evaluated: 2025-04-16. Review status: criteria provided, single submitter. Criteria: ARUP Molecular Germline Variant Investigation Process 2024. Collection method: clinical testing. Allele origin: germline.

GeneDx
Classification: Uncertain significance. Last evaluated: 2025-04-04. Review status: criteria provided, single submitter. Criteria: GeneDx Variant Classification Process June 2021. Collection method: clinical testing. Allele origin: germline. Affected: yes.
Comment: Not observed at significant frequency in large population cohorts (gnomAD); In silico analysis indicates that this missense variant does not alter protein structure/function; Has not been previously published as pathogenic or benign to our knowledge; Within the stem domain (PMID: 25512093; 25609763; 26100331); This variant is associated with the following publications: (PMID: 25512093, 25609763, 26100331)

Women's Health and Genetics/Laboratory Corporation of America, LabCorp
Classification: Uncertain significance. Last evaluated: 2023-08-17. Review status: criteria provided, single submitter. Criteria: LabCorp Variant Classification Summary - May 2015. Collection method: clinical testing. Allele origin: germline.
Comment: Variant summary: DYNC1H1 c.4250T>C (p.Met1417Thr) results in a non-conservative amino acid change located in the Dynein heavy chain, linker domain (IPR013602) of the encoded protein sequence. Three of five in-silico tools predict a benign effect of the variant on protein function. The variant was absent in 251490 control chromosomes. The available data on variant occurrences in the general population are insufficient to allow any conclusion about variant significance. To our knowledge, no occurrence of c.4250T>C in individuals affected with DYNC1H1-Related Disorders and no experimental evidence demonstrating its impact on protein function have been reported. No submitters have cited clinical-significance assessments for this variant to ClinVar after 2014. Based on the evidence outlined above, the variant was classified as uncertain significance.